The following is an entry in ClinVar:

ClinVar aggregate classification (germline): Uncertain significance (1 of 4 stars; one submission).

Conditions:
Neuroblastoma, susceptibility to, 3. Also called: ALK-Related Neuroblastic Tumor Susceptibility. Identifiers: Orphanet 635, MedGen C2751681, MONDO:0013083, OMIM 613014.

gnomAD v4.1: 1 of 1,613,994 alleles (0.000062%); highest among the groups gnomAD compares: Admixed American, 0.0017%; no homozygotes.

Submission:

Labcorp Genetics (formerly Invitae), Labcorp
Classification: Uncertain significance for Neuroblastoma, susceptibility to, 3. Last evaluated: 2025-07-24. Review status: criteria provided, single submitter. Criteria: Invitae Variant Classification Sherloc (09022015). Collection method: clinical testing. Allele origin: germline.
Comment: This sequence change creates a premature translational stop signal (p.Gly640*) in the ALK gene. It is expected to result in an absent or disrupted protein product. However, the current clinical and genetic evidence is not sufficient to establish whether loss-of-function variants in ALK cause disease. This variant is present in population databases (no rsID available, gnomAD 0.003%). This variant has not been reported in the literature in individuals affected with ALK-related conditions. ClinVar contains an entry for this variant (Variation ID: 2882912). In summary, the available evidence is currently insufficient to determine the role of this variant in disease. Therefore, it has been classified as a Variant of Uncertain Significance.

NM_004304.5(ALK):c.1918G>T (p.Gly640Ter)

Gene: ALK (ALK receptor tyrosine kinase; minus strand). Cytogenetic location: 2p23.2.
Variant type: single nucleotide variant.
Coding change: c.1918G>T on transcript NM_004304.5 (MANE Select); coding-DNA position 1918, G replaced by T.
Protein change: p.Gly640Ter; replaces glycine 640 with a stop codon.
Molecular consequence: nonsense.
Genome position (GRCh38, 1-based): chr2:29,275,222, C>A on the plus strand (G>T on the coding strand, the complement: ALK is on the minus strand). VCF-style: chr2-29275222-C-A. GRCh37 (hg19) VCF-style: chr2-29498088-C-A.
Other names: short protein forms G640*.
Identifiers: ClinVar variation 2882912 (VCV002882912.3), dbSNP rs144453491, ClinGen allele CA346479823.